The following is an entry in ClinVar:

NM_005876.5(SPEG):c.1887G>A (p.Arg629=)

Gene: SPEG (striated muscle enriched protein kinase; plus strand). Cytogenetic location: 2q35.
Variant type: single nucleotide variant.
Coding change: c.1887G>A on transcript NM_005876.5 (MANE Select); coding-DNA position 1887, G replaced by A.
Protein change: p.Arg629=; no amino-acid change (arginine 629 retained).
Molecular consequence: synonymous variant.
Genome position (GRCh38, 1-based): chr2:219,449,045, G>A. VCF-style: chr2-219449045-G-A. GRCh37 (hg19) VCF-style: chr2-220313767-G-A.
Identifiers: ClinVar variation 711860 (VCV000711860.17), dbSNP rs367886901, ClinGen allele CA2125730.

ClinVar aggregate classification (germline): Benign/Likely benign. Review status: criteria provided, multiple submitters, no conflicts (2 of 4 stars). 4 submissions from 4 submitters: Benign (3); Likely benign (1). Last evaluated 2026-08-01.

Allele frequency attached by ClinVar (database versions not stated): gnomAD exomes 0.00108; ESP Exome Variant Server 0.00173; ExAC 0.00229; 1000 Genomes Project 0.00280; 1000 Genomes Project 30x 0.00312; gnomAD 0.00429 and 0.00465; TOPMed 0.00462.
gnomAD v4.1: 1,522 of 1,519,224 alleles (0.1%); highest among the groups gnomAD compares: African/African-American, 1.3%; 13 homozygotes.

Submissions (4):

CeGaT Center for Human Genetics Tuebingen
Classification: Benign. Last evaluated: 2026-08-01. Review status: criteria provided, single submitter. Criteria: CeGaT Center For Human Genetics Tuebingen Variant Classification Criteria Version 2. Collection method: clinical testing. Allele origin: germline. Affected: yes. Observed: 3 variant alleles.
Comment: SPEG: BP4, BP7, BS1, BS2

Labcorp Genetics (formerly Invitae), Labcorp
Classification: Benign. Last evaluated: 2026-02-01. Review status: criteria provided, single submitter. Criteria: Invitae Variant Classification Sherloc (09022015). Collection method: clinical testing. Allele origin: germline.

Blueprint Genetics
Classification: Likely benign. Last evaluated: 2024-10-23. Review status: criteria provided, single submitter. Criteria: ACMG Guidelines, 2015. Collection method: clinical testing. Allele origin: germline.

Breakthrough Genomics
Classification: Benign. Review status: criteria provided, single submitter. Criteria: ACMG Guidelines, 2015. Collection method: not provided. Allele origin: germline. Inheritance: Autosomal recessive inheritance. Affected: yes.